The following is an entry in ClinVar:

NM_001083962.2(TCF4):c.1866G>C (p.Glu622Asp)

Gene: TCF4 (transcription factor 4; minus strand). Cytogenetic location: 18q21.2.
Variant type: single nucleotide variant.
Coding change: c.1866G>C on transcript NM_001083962.2 (MANE Select); coding-DNA position 1866, G replaced by C.
Protein change: p.Glu622Asp; replaces glutamic acid 622 with aspartic acid.
Molecular consequence: missense variant.
Genome position (GRCh38, 1-based): chr18:55,228,860, C>G on the plus strand (G>C on the coding strand, the complement: TCF4 is on the minus strand). VCF-style: chr18-55228860-C-G. GRCh37 (hg19) VCF-style: chr18-52896091-C-G.
Other names: c.2172G>C, p.Glu724Asp (NM_001243226.3); c.1794G>C, p.Glu598Asp (NM_001243227.2, NM_001369575.1, NM_001348217.1 and 1 more transcripts); c.1884G>C, p.Glu628Asp (NM_001243228.2); c.1845G>C, p.Glu615Asp (NM_001243230.2); c.1728G>C, p.Glu576Asp (NM_001243231.2); c.1653G>C, p.Glu551Asp (NM_001243232.1); c.1464G>C, p.Glu488Asp (NM_001243233.2, NM_001348212.2); c.1386G>C, p.Glu462Asp (NM_001243234.2, NM_001348216.2); and 14 more; short protein forms E406D, E457D, E458D, E462D, E488D, E492D, E547D, E551D.
Identifiers: ClinVar variation 1699434 (VCV001699434.3), dbSNP rs140078086, ClinGen allele CA402528165.
Genomic context (GRCh38, chr18:55,228,860, plus strand): 5'-GCCACAAGCTCCTCACGAGCTCTGCAAGGAGGCTGGCCTGCACTGACCTCGGACTTGCTG[C>G]TCCAGACTGAGGATGACGGCCACCGCCTGGTGGAGGATCAGGAGCTTGGTCTGGGGCTTG-3'
Protein context (NP_001077431.1, residues 612-632): HQAVAVILSL[Glu622Asp]QQVRERNLNP

ClinVar aggregate classification (germline): Likely pathogenic (1 of 4 stars; one submission).

Conditions:
Pitt-Hopkins syndrome (PTHS). Also called: ENCEPHALOPATHY, SEVERE EPILEPTIC, WITH AUTONOMIC DYSFUNCTION; MENTAL RETARDATION, SYNDROMAL, WITH INTERMITTENT HYPERVENTILATION. Identifiers: Orphanet 2896, MedGen C1970431, MONDO:0012589, OMIM 610954.

Submission:

Victorian Clinical Genetics Services, Murdoch Childrens Research Institute
Classification: Likely pathogenic for Pitt-Hopkins syndrome. Last evaluated: 2022-06-24. Review status: criteria provided, single submitter. Criteria: ACMG Guidelines, 2015. Collection method: clinical testing. Allele origin: germline. Inheritance: Autosomal dominant inheritance. Affected: yes.
Comment: Based on the classification scheme VCGS_Germline_v1.3.4, this variant is classified as likely pathogenic. Following criteria are met: 0102 - Loss of function is a known mechanism of disease in this gene and is associated with Pitt-Hopkins syndrome (MIM#610954). (I) 0107 - This gene is associated with autosomal dominant disease. (I) 0200 - Variant is predicted to result in a missense amino acid change from glutamic acid to aspartic acid. (I) 0251 - This variant is heterozygous. (I) 0301 - Variant is absent from gnomAD (both v2 and v3). (SP) 0501 - Missense variant consistently predicted to be damaging by multiple in silico tools or highly conserved with a major amino acid change. (SP) 0603 - Missense variant in a region that is highly intolerant to missense variation (high constraint region in DECIPHER). (SP) 0705 - No comparable missense variants have previous evidence for pathogenicity. (I) 0807 - This variant has no previous evidence of pathogenicity. (I) 0905 - No published segregation evidence has been identified for this variant. (I) 1007 - No published functional evidence has been identified for this variant. (I) 1102 - Strong phenotype match for this individual. (SP) Legend: (SP) - Supporting pathogenic, (I) - Information, (SB) - Supporting benign